The following is an entry in ClinVar:

NM_206933.4(USH2A):c.5273A>G (p.Asn1758Ser)

Genes: USH2A (usherin; minus strand), USH2A-AS2 (USH2A antisense RNA 2; plus strand). Cytogenetic location: 1q41.
Variant type: single nucleotide variant.
Coding change: c.5273A>G on transcript NM_206933.4 (MANE Select); coding-DNA position 5273, A replaced by G.
Protein change: p.Asn1758Ser; replaces asparagine 1758 with serine.
Molecular consequence: missense variant.
Genome position (GRCh38, 1-based): chr1:216,083,481, T>C on the plus strand (A>G on the coding strand, the complement: USH2A is on the minus strand). VCF-style: chr1-216083481-T-C. GRCh37 (hg19) VCF-style: chr1-216256823-T-C.
Other names: c.5273A>G (NM_206933.2); short protein forms N1758S.
Identifiers: ClinVar variation 2178060 (VCV002178060.4), dbSNP rs767820497, ClinGen allele CA1395493.
Genomic context (GRCh38, chr1:216,083,481, plus strand): 5'-TTTTAAAGTAATTTTAATCAAATTAATTCACATACAGCAAGAAAATCAGGTCCATCTTTG[T>C]TATAAACGAAAAGAAGCAATCCATTTAATTGGTCAGTTCTGAACTTAAAGGAAATCTCAA-3'
Protein context (NP_996816.3, residues 1748-1768): QLNGLLLFVY[Asn1758Ser]KDGPDFLAME

ClinVar aggregate classification (germline): Uncertain significance. Review status: criteria provided, multiple submitters, no conflicts (2 of 4 stars). 5 submissions from 4 submitters: Uncertain significance (5). Last evaluated 2025-06-11.

Conditions:
Inborn genetic diseases. Identifiers: MedGen C0950123, MeSH D030342.
Retinitis pigmentosa 39 (RP39). Identifiers: Orphanet 791, MedGen C3151138, MONDO:0013436, OMIM 613809.
Usher syndrome type 2A. Also called: RETINAL DISEASE IN USHER SYNDROME TYPE IIA, MODIFIER OF; USHER SYNDROME, TYPE IIA. Identifiers: Orphanet 231178, Orphanet 886, MedGen C1848634, MONDO:0010169, OMIM 276901.

Allele frequency attached by ClinVar (database versions not stated): gnomAD exomes below 0.00001; ExAC 0.00001.
gnomAD v4.1: 8 of 1,612,206 alleles (0.0005%); highest among the groups gnomAD compares: South Asian, 0.0055%; no homozygotes.

Submissions (5):

GeneDx
Classification: Uncertain significance. Last evaluated: 2025-06-11. Review status: criteria provided, single submitter. Criteria: GeneDx Variant Classification Process June 2021. Collection method: clinical testing. Allele origin: germline. Affected: yes.
Comment: Not observed at significant frequency in large population cohorts (gnomAD); In silico analysis suggests that this missense variant does not alter protein structure/function; In silico analysis is inconclusive as to whether the variant alters gene splicing. In the absence of RNA/functional studies, the actual effect of this sequence change is unknown.; Has not been previously published as pathogenic or benign to our knowledge

Genome-Nilou Lab
Classification: Uncertain significance for Retinitis pigmentosa 39. Last evaluated: 2023-11-04. Review status: criteria provided, single submitter. Criteria: ACMG Guidelines, 2015. Collection method: clinical testing. Allele origin: germline. Affected: no.

Genome-Nilou Lab
Classification: Uncertain significance for Usher syndrome type 2A. Last evaluated: 2023-11-04. Review status: criteria provided, single submitter. Criteria: ACMG Guidelines, 2015. Collection method: clinical testing. Allele origin: germline. Affected: no.

Labcorp Genetics (formerly Invitae), Labcorp
Classification: Uncertain significance. Last evaluated: 2022-08-12. Review status: criteria provided, single submitter. Criteria: Invitae Variant Classification Sherloc (09022015). Collection method: clinical testing. Allele origin: germline.
Comment: This sequence change replaces asparagine, which is neutral and polar, with serine, which is neutral and polar, at codon 1758 of the USH2A protein (p.Asn1758Ser). This variant is present in population databases (rs767820497, gnomAD 0.003%). This variant has not been reported in the literature in individuals affected with USH2A-related conditions. Algorithms developed to predict the effect of missense changes on protein structure and function output the following: SIFT: "Deleterious"; PolyPhen-2: "Benign"; Align-GVGD: "Class C45". The serine amino acid residue is found in multiple mammalian species, which suggests that this missense change does not adversely affect protein function. Algorithms developed to predict the effect of sequence changes on RNA splicing suggest that this variant may disrupt the consensus splice site. In summary, the available evidence is currently insufficient to determine the role of this variant in disease. Therefore, it has been classified as a Variant of Uncertain Significance.

Ambry Genetics
Classification: Uncertain significance for Inborn genetic diseases. Last evaluated: 2021-12-07. Review status: criteria provided, single submitter. Criteria: Ambry Variant Classification Scheme 2023. Collection method: clinical testing. Allele origin: germline.